The following is an entry in ClinVar:

ClinVar aggregate classification (germline): Uncertain significance (1 of 4 stars; one submission).

Conditions:
Peutz-Jeghers syndrome (PJS). Also called: POLYPOSIS, HAMARTOMATOUS INTESTINAL; POLYPS-AND-SPOTS SYNDROME; Peutz-Jeghers polyposis; Periorificial lentiginosis syndrome. Identifiers: Orphanet 2869, MedGen C0031269, MeSH D010580, MONDO:0008280, OMIM 175200.

Submission:

Labcorp Genetics (formerly Invitae), Labcorp
Classification: Uncertain significance for Peutz-Jeghers syndrome. Last evaluated: 2024-08-22. Review status: criteria provided, single submitter. Criteria: Invitae Variant Classification Sherloc (09022015). Collection method: clinical testing. Allele origin: germline.
Comment: This sequence change replaces glutamine, which is neutral and polar, with leucine, which is neutral and non-polar, at codon 7 of the STK11 protein (p.Gln7Leu). This variant is not present in population databases (gnomAD no frequency). This variant has not been reported in the literature in individuals affected with STK11-related conditions. Invitae Evidence Modeling of protein sequence and biophysical properties (such as structural, functional, and spatial information, amino acid conservation, physicochemical variation, residue mobility, and thermodynamic stability) has been performed for this missense variant. However, the output from this modeling did not meet the statistical confidence thresholds required to predict the impact of this variant on STK11 protein function. In summary, the available evidence is currently insufficient to determine the role of this variant in disease. Therefore, it has been classified as a Variant of Uncertain Significance.

NM_000455.5(STK11):c.20A>T (p.Gln7Leu)

Gene: STK11 (serine/threonine kinase 11; plus strand). Cytogenetic location: 19p13.3.
Variant type: single nucleotide variant.
Coding change: c.20A>T on transcript NM_000455.5 (MANE Select); coding-DNA position 20, A replaced by T.
Protein change: p.Gln7Leu; replaces glutamine 7 with leucine.
Molecular consequence: missense variant. On other transcripts: non-coding transcript variant (1).
Genome position (GRCh38, 1-based): chr19:1,206,933, A>T. VCF-style: chr19-1206933-A-T. GRCh37 (hg19) VCF-style: chr19-1206932-A-T.
Other names: c.20A>T, p.Gln7Leu (NM_001407255.1); short protein forms Q7L.
Identifiers: ClinVar variation 3636787 (VCV003636787.2).
Genomic context (GRCh38, chr19:1,206,933, plus strand): 5'-ACTCAGGGCTGGCGGCGGGACTCCAGGACCCTGGGTCCAGCATGGAGGTGGTGGACCCGC[A>T]GCAGCTGGGCATGTTCACGGAGGGCGAGCTGATGTCGGTGGGTATGGACACGTTCATCCA-3'
Protein context (NP_000446.1, residues 1-17): MEVVDP[Gln7Leu]QLGMFTEGEL